The following is an entry in ClinVar:

NM_007198.4(PLPBP):c.696G>A (p.Ala232=)

Gene: PLPBP (pyridoxal phosphate binding protein; plus strand). Cytogenetic location: 8p11.23.
Variant type: single nucleotide variant.
Coding change: c.696G>A on transcript NM_007198.4 (MANE Select); coding-DNA position 696, G replaced by A.
Protein change: p.Ala232=; no amino-acid change (alanine 232 retained).
Molecular consequence: synonymous variant.
Genome position (GRCh38, 1-based): chr8:37,776,016, G>A. VCF-style: chr8-37776016-G-A. GRCh37 (hg19) VCF-style: chr8-37633534-G-A.
Other names: c.726G>A, p.Ala242= (NM_001349346.2); c.690G>A, p.Ala230= (NM_001349347.2); c.540G>A, p.Ala180= (NM_001349348.2).
Identifiers: ClinVar variation 871559 (VCV000871559.44), dbSNP rs200504564, ClinGen allele CA4711317.

ClinVar aggregate classification (germline): Uncertain significance. Review status: criteria provided, multiple submitters, no conflicts (2 of 4 stars). 2 submissions from 2 submitters: Uncertain significance (2). Last evaluated 2024-01-25.

Allele frequency attached by ClinVar (database versions not stated): TOPMed 0.00003.
gnomAD v4.1: 18 of 1,612,828 alleles (0.0011%); highest among the groups gnomAD compares: African/African-American, 0.0067%; no homozygotes.

Submissions (3):

Labcorp Genetics (formerly Invitae), Labcorp
Classification: Uncertain significance. Last evaluated: 2024-01-25. Review status: criteria provided, single submitter. Criteria: Invitae Variant Classification Sherloc (09022015). Collection method: clinical testing. Allele origin: germline.
Comment: This sequence change affects codon 232 of the PROSC mRNA. It is a 'silent' change, meaning that it does not change the encoded amino acid sequence of the PROSC protein. This variant also falls at the last nucleotide of exon 7, which is part of the consensus splice site for this exon. This variant is present in population databases (rs200504564, gnomAD 0.04%). This variant has not been reported in the literature in individuals affected with PROSC-related conditions. ClinVar contains an entry for this variant (Variation ID: 871559). Variants that disrupt the consensus splice site are a relatively common cause of aberrant splicing (PMID: 17576681, 9536098). Algorithms developed to predict the effect of sequence changes on RNA splicing suggest that this variant is not likely to affect RNA splicing. In summary, the available evidence is currently insufficient to determine the role of this variant in disease. Therefore, it has been classified as a Variant of Uncertain Significance.

CeGaT Center for Human Genetics Tuebingen
Classification: Uncertain significance. Last evaluated: 2019-11-01. Review status: criteria provided, single submitter. Criteria: CeGaT Center For Human Genetics Tuebingen Variant Classification Criteria Version 2. Collection method: clinical testing. Allele origin: germline. Affected: yes. Observed: 1 variant allele.

Dr. Peter K. Rogan Lab, Western University
No classification provided (evidence only). Condition: Lung cancer. Review status: no classification provided. Collection method: in vitro. Allele origin: not applicable. Functional consequence: skipped exon, retained intron. Not counted in ClinVar's aggregate classification.

Literature cited by the submitters: PubMed 17576681 (cited by Labcorp Genetics (formerly Invitae), Labcorp); PubMed 9536098 (cited by Labcorp Genetics (formerly Invitae), Labcorp).